The following is an entry in ClinVar:

ClinVar aggregate classification (germline): Pathogenic (1 of 4 stars; one submission).

Conditions:
Multiple congenital exostosis (EXT). Also called: Hereditary multiple exostoses; Hereditary multiple exostosis; MULTIPLE CARTILAGINOUS EXOSTOSES; Multiple exostoses; Hereditary multiple osteochondromas; Multiple osteochondromas. Identifiers: Orphanet 321, MedGen C0015306, MONDO:0005508, HP:0002762.

Submission:

Labcorp Genetics (formerly Invitae), Labcorp
Classification: Pathogenic for Multiple congenital exostosis. Last evaluated: 2024-01-22. Review status: criteria provided, single submitter. Criteria: Invitae Variant Classification Sherloc (09022015). Collection method: clinical testing. Allele origin: germline.
Comment: This sequence change replaces glycine, which is neutral and non-polar, with serine, which is neutral and polar, at codon 339 of the EXT1 protein (p.Gly339Ser). This variant is not present in population databases (gnomAD no frequency). This missense change has been observed in individual(s) with clinical features of multiple osteochondromatosis (Invitae). ClinVar contains an entry for this variant (Variation ID: 1066566). Advanced modeling of protein sequence and biophysical properties (such as structural, functional, and spatial information, amino acid conservation, physicochemical variation, residue mobility, and thermodynamic stability) performed at Invitae indicates that this missense variant is expected to disrupt EXT1 protein function with a positive predictive value of 80%. This variant disrupts the p.Gly339 amino acid residue in EXT1. Other variant(s) that disrupt this residue have been determined to be pathogenic (PMID: 9326317, 9620772, 23439489; Invitae). This suggests that this residue is clinically significant, and that variants that disrupt this residue are likely to be disease-causing. For these reasons, this variant has been classified as Pathogenic.

Literature cited by the submitters: PubMed 9326317; PubMed 9620772; PubMed 23439489.

NM_000127.3(EXT1):c.1015G>A (p.Gly339Ser)

Gene: EXT1 (exostosin glycosyltransferase 1; minus strand). Cytogenetic location: 8q24.11.
Variant type: single nucleotide variant.
Coding change: c.1015G>A on transcript NM_000127.3 (MANE Select); coding-DNA position 1015, G replaced by A.
Protein change: p.Gly339Ser; replaces glycine 339 with serine.
Molecular consequence: missense variant.
Genome position (GRCh38, 1-based): chr8:117,837,149, C>T on the plus strand (G>A on the coding strand, the complement: EXT1 is on the minus strand). VCF-style: chr8-117837149-C-T. GRCh37 (hg19) VCF-style: chr8-118849388-C-T.
Other names: short protein forms G339S.
Identifiers: ClinVar variation 1066566 (VCV001066566.9), dbSNP rs2129791225, ClinGen allele CA371893294.